The following is an entry in ClinVar:

NM_000310.4(PPT1):c.283G>A (p.Val95Met)

Gene: PPT1 (palmitoyl-protein thioesterase 1; minus strand). Cytogenetic location: 1p34.2.
Variant type: single nucleotide variant.
Coding change: c.283G>A on transcript NM_000310.4 (MANE Select); coding-DNA position 283, G replaced by A.
Protein change: p.Val95Met; replaces valine 95 with methionine.
Molecular consequence: missense variant. On other transcripts: intron variant (1).
Genome position (GRCh38, 1-based): chr1:40,092,124, C>T on the plus strand (G>A on the coding strand, the complement: PPT1 is on the minus strand). VCF-style: chr1-40092124-C-T. GRCh37 (hg19) VCF-style: chr1-40557796-C-T.
Other names: c.283G>A, p.Val95Met (NM_001363695.2); c.125-2612G>A (NM_001142604.2); short protein forms V95M.
Identifiers: ClinVar variation 571111 (VCV000571111.9), dbSNP rs932228782, ClinGen allele CA339849209.
Genomic context (GRCh38, chr1:40,092,124, plus strand): 5'-AGAATCCCATAGCATTGTAGCCTTGCTGCAATTTAGGATCCTTAGCAAGTGCCTGACACA[C>T]TGTTGTTACTTGGGAATTGACATTCAAGAAGAAGCTGTTCTCCACGTCCTAAAAAAGAAG-3'
Protein context (NP_000301.1, residues 85-105): FLNVNSQVTT[Val95Met]CQALAKDPKL

ClinVar aggregate classification (germline): Uncertain significance. Review status: criteria provided, single submitter (1 of 4 stars). 2 submissions from 2 submitters: Uncertain significance (1). 1 of the submissions does not count toward it. Last evaluated 2021-08-27.

Conditions:
Neuronal ceroid lipofuscinosis 1 (CLN1). Also called: PPT1-Related Neuronal Ceroid-Lipofuscinosis; CEROID LIPOFUSCINOSIS, NEURONAL, 1, VARIABLE AGE AT ONSET. Identifiers: Orphanet 228329, MedGen C1850451, MONDO:0009744, OMIM 256730.

Allele frequency attached by ClinVar (database versions not stated): gnomAD exomes below 0.00001; gnomAD 0.00001; TOPMed 0.00001.
gnomAD v4.1: 4 of 1,613,974 alleles (0.00025%); highest among the groups gnomAD compares: Non-Finnish European, 0.00034%; no homozygotes.

Submissions (2):

Labcorp Genetics (formerly Invitae), Labcorp
Classification: Uncertain significance for Neuronal ceroid lipofuscinosis 1. Last evaluated: 2021-08-27. Review status: criteria provided, single submitter. Criteria: Invitae Variant Classification Sherloc (09022015). Collection method: clinical testing. Allele origin: germline.
Comment: This sequence change replaces valine with methionine at codon 95 of the PPT1 protein (p.Val95Met). The valine residue is moderately conserved and there is a small physicochemical difference between valine and methionine. This variant is not present in population databases (ExAC no frequency). This variant has not been reported in the literature in individuals affected with PPT1-related conditions. Algorithms developed to predict the effect of missense changes on protein structure and function are either unavailable or do not agree on the potential impact of this missense change (SIFT: "Deleterious"; PolyPhen-2: "Probably Damaging"; Align-GVGD: "Class C0"). In summary, the available evidence is currently insufficient to determine the role of this variant in disease. Therefore, it has been classified as a Variant of Uncertain Significance.

Natera, Inc.
Classification: Uncertain significance for Neuronal ceroid lipofuscinosis 1. Last evaluated: 2021-06-28. Review status: no assertion criteria provided. Collection method: clinical testing. Allele origin: germline. Not counted in ClinVar's aggregate classification.